The following is an entry in ClinVar:

ClinVar aggregate classification (germline): Uncertain significance (1 of 4 stars; one submission).

Submission:

Labcorp Genetics (formerly Invitae), Labcorp
Classification: Uncertain significance. Last evaluated: 2024-02-05. Review status: criteria provided, single submitter. Criteria: Invitae Variant Classification Sherloc (09022015). Collection method: clinical testing. Allele origin: germline.
Comment: This sequence change replaces alanine, which is neutral and non-polar, with proline, which is neutral and non-polar, at codon 757 of the CACNA1F protein (p.Ala757Pro). This variant is not present in population databases (gnomAD no frequency). This variant has not been reported in the literature in individuals affected with CACNA1F-related conditions. ClinVar contains an entry for this variant (Variation ID: 2105491). Advanced modeling of protein sequence and biophysical properties (such as structural, functional, and spatial information, amino acid conservation, physicochemical variation, residue mobility, and thermodynamic stability) performed at Invitae indicates that this missense variant is expected to disrupt CACNA1F protein function with a positive predictive value of 80%. In summary, the available evidence is currently insufficient to determine the role of this variant in disease. Therefore, it has been classified as a Variant of Uncertain Significance.

NM_001256789.3(CACNA1F):c.2236G>C (p.Ala746Pro)

Gene: CACNA1F (calcium voltage-gated channel subunit alpha1 F; minus strand). Cytogenetic location: Xp11.23.
Variant type: single nucleotide variant.
Coding change: c.2236G>C on transcript NM_001256789.3 (MANE Select); coding-DNA position 2236, G replaced by C.
Protein change: p.Ala746Pro; replaces alanine 746 with proline.
Molecular consequence: missense variant.
Genome position (GRCh38, 1-based): chrX:49,222,574, C>G on the plus strand (G>C on the coding strand, the complement: CACNA1F is on the minus strand). VCF-style: chrX-49222574-C-G. GRCh37 (hg19) VCF-style: chrX-49079033-C-G.
Other names: c.2074G>C, p.Ala692Pro (NM_001256790.3); c.2269G>C, p.Ala757Pro (NM_005183.4); short protein forms A746P, A692P, A757P.
Identifiers: ClinVar variation 2105491 (VCV002105491.4), dbSNP rs2520961058, ClinGen allele CA412909709.